The following is an entry in ClinVar:

NM_001267550.2(TTN):c.20622del (p.Ala6875fs)

Gene: TTN (titin; minus strand). Cytogenetic location: 2q31.2.
Variant type: Deletion.
Coding change: c.20622del on transcript NM_001267550.2 (MANE Select); coding-DNA position 20622, one base deleted (A; older notation c.20622delA).
Protein change: p.Ala6875fs; shifts the reading frame from alanine 6875.
Molecular consequence: frameshift variant. On other transcripts: intron variant (3).
Genome position (GRCh38, 1-based): chr2:178,725,582, T deleted on the plus strand (A on the coding strand, the reverse complement: TTN is on the minus strand); the first of 2 consecutive T bases (chr2:178,725,582-178,725,583); deleting either gives the same sequence. VCF-style (leftmost placement, unchanged base first): chr2-178725581-CT-C. GRCh37 (hg19) VCF-style: chr2-179590308-CT-C.
Other names: c.19671del, p.Ala6558fs (NM_001256850.1); c.16890del, p.Ala5631fs (NM_133378.4); c.13282+12500del (NM_003319.4); c.13858+12500del (NM_133437.4); c.13657+12500del (NM_133432.3); short protein forms A6875fs, A5631fs, A6558fs.
Identifiers: ClinVar variation 940595 (VCV000940595.10), dbSNP rs2079200580, ClinGen allele CA1139657518.

ClinVar aggregate classification (germline): Likely pathogenic (1 of 4 stars; one submission).

Conditions:
Dilated cardiomyopathy 1G (CMD1G). Identifiers: Orphanet 154, MedGen C1858763, MONDO:0011400, OMIM 604145.
Autosomal recessive limb-girdle muscular dystrophy type 2J (LGMDR10). Also called: Limb-girdle muscular dystrophy, type 2J; MUSCULAR DYSTROPHY, LIMB-GIRDLE, AUTOSOMAL RECESSIVE 10. Identifiers: Orphanet 140922, MedGen C1837342, MONDO:0012127, OMIM 608807.

Submission:

Labcorp Genetics (formerly Invitae), Labcorp
Classification: Likely pathogenic for Dilated cardiomyopathy 1G; Autosomal recessive limb-girdle muscular dystrophy type 2J. Last evaluated: 2024-10-18. Review status: criteria provided, single submitter. Criteria: Invitae Variant Classification Sherloc (09022015). Collection method: clinical testing. Allele origin: germline.
Comment: This sequence change creates a premature translational stop signal (p.Ala6875Hisfs*3) in the TTN gene. While this is not anticipated to result in nonsense mediated decay, it is expected to create a truncated TTN protein. This variant is not present in population databases (gnomAD no frequency). This variant has not been reported in the literature in individuals affected with TTN-related conditions. ClinVar contains an entry for this variant (Variation ID: 940595). This variant is located in the I band of TTN (PMID: 25589632). Truncating variants in this region have been reported in individuals affected with autosomal recessive centronuclear myopathy (PMID: 23975875, internal data). Truncating variants in this region have also been identified in individuals affected with autosomal dominant dilated cardiomyopathy and/or cardio-related conditions (PMID: 27869827, 32964742, internal data). In summary, the currently available evidence indicates that the variant is pathogenic, but additional data are needed to prove that conclusively. Therefore, this variant has been classified as Likely Pathogenic.

Literature cited by the submitters: PubMed 25589632; PubMed 23975875; PubMed 27869827; PubMed 32964742.